The following is an entry in ClinVar:

NM_004656.4(BAP1):c.115T>C (p.Cys39Arg)

Gene: BAP1 (BRCA1 associated deubiquitinase 1; minus strand). Cytogenetic location: 3p21.1.
Variant type: single nucleotide variant.
Coding change: c.115T>C on transcript NM_004656.4 (MANE Select); coding-DNA position 115, T replaced by C.
Protein change: p.Cys39Arg; replaces cysteine 39 with arginine.
Molecular consequence: missense variant.
Genome position (GRCh38, 1-based): chr3:52,409,561, A>G on the plus strand (T>C on the coding strand, the complement: BAP1 is on the minus strand). VCF-style: chr3-52409561-A-G. GRCh37 (hg19) VCF-style: chr3-52443577-A-G.
Other names: c.115T>C, p.Cys39Arg (NM_001410772.1); short protein forms C39R.
Identifiers: ClinVar variation 2973597 (VCV002973597.4), dbSNP rs2471364058, ClinGen allele CA353114512.

ClinVar aggregate classification (germline): Uncertain significance. Review status: criteria provided, multiple submitters, no conflicts (2 of 4 stars). 2 submissions from 2 submitters: Uncertain significance (2). Last evaluated 2025-07-30.

Conditions:
BAP1-related tumor predisposition syndrome (TPDS1). Also called: BAP1 tumor predisposition syndrome; Tumor susceptibility linked to germline BAP1 mutations; COMMON Syndrome; TUMOR PREDISPOSITION SYNDROME 1. Identifiers: Orphanet 289539, MedGen C3280492, MONDO:0013692, OMIM 614327.

Submissions (2):

Labcorp Genetics (formerly Invitae), Labcorp
Classification: Uncertain significance for BAP1-related tumor predisposition syndrome. Last evaluated: 2025-07-30. Review status: criteria provided, single submitter. Criteria: Invitae Variant Classification Sherloc (09022015). Collection method: clinical testing. Allele origin: germline.
Comment: This sequence change replaces cysteine, which is neutral and slightly polar, with arginine, which is basic and polar, at codon 39 of the BAP1 protein (p.Cys39Arg). This variant is not present in population databases (gnomAD no frequency). This variant has not been reported in the literature in individuals affected with BAP1-related conditions. ClinVar contains an entry for this variant (Variation ID: 2973597). Invitae Evidence Modeling of protein sequence and biophysical properties (such as structural, functional, and spatial information, amino acid conservation, physicochemical variation, residue mobility, and thermodynamic stability) indicates that this missense variant is not expected to disrupt BAP1 protein function with a negative predictive value of 80%. In summary, the available evidence is currently insufficient to determine the role of this variant in disease. Therefore, it has been classified as a Variant of Uncertain Significance.

Baylor Genetics
Classification: Uncertain significance for BAP1-related tumor predisposition syndrome. Last evaluated: 2024-02-05. Review status: criteria provided, single submitter. Criteria: ACMG Guidelines, 2015. Collection method: clinical testing. Allele origin: unknown.